The following is an entry in ClinVar:

ClinVar aggregate classification (germline): Uncertain significance. Review status: criteria provided, multiple submitters, no conflicts (2 of 4 stars). 3 submissions from 3 submitters: Uncertain significance (2). 1 of the submissions does not count toward it. Last evaluated 2025-03-15.

Conditions:
SEMA3E-related disorder. Also called: SEMA3E-related condition.
CHARGE syndrome (CHARGE). Also called: Hittner Hirsch Kreh syndrome; CHARGE ASSOCIATION--COLOBOMA, HEART ANOMALY, CHOANAL ATRESIA, RETARDATION, GENITAL AND EAR ANOMALIES; Coloboma, heart anomaly, choanal atresia, retardation, genital and ear anomalies; CHARGE association; Hall-Hittner syndrome. Identifiers: Orphanet 138, MedGen C0265354, MONDO:0008965.

Allele frequency attached by ClinVar (database versions not stated): ESP Exome Variant Server 0.00008.
gnomAD v4.1: 5 of 1,612,948 alleles (0.00031%); highest among the groups gnomAD compares: Admixed American, 0.0017%; no homozygotes.

Submissions (3):

Ambry Genetics
Classification: Uncertain significance. Last evaluated: 2025-03-15. Review status: criteria provided, single submitter. Criteria: Ambry Variant Classification Scheme 2023. Collection method: clinical testing. Allele origin: germline.

Labcorp Genetics (formerly Invitae), Labcorp
Classification: Uncertain significance for CHARGE syndrome. Last evaluated: 2024-08-28. Review status: criteria provided, single submitter. Criteria: Invitae Variant Classification Sherloc (09022015). Collection method: clinical testing. Allele origin: germline.
Comment: This sequence change replaces valine, which is neutral and non-polar, with leucine, which is neutral and non-polar, at codon 72 of the SEMA3E protein (p.Val72Leu). This variant is present in population databases (rs371960755, gnomAD 0.003%). This variant has not been reported in the literature in individuals affected with SEMA3E-related conditions. An algorithm developed to predict the effect of missense changes on protein structure and function outputs the following: PolyPhen-2: "Benign". The leucine amino acid residue is found in multiple mammalian species, which suggests that this missense change does not adversely affect protein function. In summary, the available evidence is currently insufficient to determine the role of this variant in disease. Therefore, it has been classified as a Variant of Uncertain Significance.

PreventionGenetics, part of Exact Sciences
Classification: Uncertain significance for SEMA3E-related condition. Last evaluated: 2024-04-16. Review status: no assertion criteria provided. Collection method: clinical testing. Allele origin: germline. Not counted in ClinVar's aggregate classification.
Comment: The SEMA3E c.214G>C variant is predicted to result in the amino acid substitution p.Val72Leu. To our knowledge, this variant has not been reported in the literature. This variant is reported in 0.0029% of alleles in individuals of Latino descent in gnomAD. At this time, the clinical significance of this variant is uncertain due to the absence of conclusive functional and genetic evidence.

NM_012431.3(SEMA3E):c.214G>C (p.Val72Leu)

Gene: SEMA3E (semaphorin 3E; minus strand). Cytogenetic location: 7q21.11.
Variant type: single nucleotide variant.
Coding change: c.214G>C on transcript NM_012431.3 (MANE Select); coding-DNA position 214, G replaced by C.
Protein change: p.Val72Leu; replaces valine 72 with leucine.
Molecular consequence: missense variant.
Genome position (GRCh38, 1-based): chr7:83,490,176, C>G on the plus strand (G>C on the coding strand, the complement: SEMA3E is on the minus strand). VCF-style: chr7-83490176-C-G. GRCh37 (hg19) VCF-style: chr7-83119492-C-G.
Other names: c.34G>C, p.Val12Leu (NM_001178129.2); short protein forms V12L, V72L.
Identifiers: ClinVar variation 3061343 (VCV003061343.5), dbSNP rs371960755, ClinGen allele CA4322423.